The following is an entry in ClinVar:

NC_000012.11:g.(?_103248894)_(103249130_?)del

Gene: PAH (phenylalanine hydroxylase; minus strand). Cytogenetic location: 12q23.2.
Variant type: Deletion.
Identifiers: ClinVar variation 458077 (VCV000458077.2).

ClinVar aggregate classification (germline): Pathogenic (1 of 4 stars; one submission).

Conditions:
Phenylketonuria (PKU). Also called: Phenylketonuria (PKU); FOLLING DISEASE; OLIGOPHRENIA PHENYLPYRUVICA; Phenylketonurias. Identifiers: Orphanet 716, MedGen C0031485, MONDO:0009861, OMIM 261600. Disease mechanism: loss of function.

Submission:

Labcorp Genetics (formerly Invitae), Labcorp
Classification: Pathogenic for Phenylketonuria. Last evaluated: 2022-07-30. Review status: criteria provided, single submitter. Criteria: Invitae Variant Classification Sherloc (09022015). Collection method: clinical testing. Allele origin: germline.
Comment: This variant results in the deletion of part of exon 6 (c.553_706+647del) of the PAH gene. It is expected to disrupt RNA splicing. Variants that disrupt the donor or acceptor splice site typically lead to a loss of protein function (PMID: 16199547), and loss-of-function variants in PAH are known to be pathogenic (PMID: 1301187, 9634518). This variant has been observed in individuals with phenylketonuria (Invitae). For these reasons, this variant has been classified as Pathogenic.

Literature cited by the submitters: PubMed 16199547; PubMed 1301187; PubMed 9634518.